The following is an entry in ClinVar:

ClinVar aggregate classification (germline): Uncertain significance. Review status: criteria provided, multiple submitters, no conflicts (2 of 4 stars). 2 submissions from 2 submitters: Uncertain significance (2). Last evaluated 2022-11-30.

Conditions:
Junctional epidermolysis bullosa. Identifiers: Orphanet 305, MedGen C0079301, MONDO:0017612.

Allele frequency attached by ClinVar (database versions not stated): ExAC 0.00003; gnomAD 0.00004; TOPMed 0.00005; gnomAD exomes 0.00006; ESP Exome Variant Server 0.00008.
gnomAD v4.1: 96 of 1,611,244 alleles (0.006%); highest among the groups gnomAD compares: Non-Finnish European, 0.0077%; no homozygotes.

Submissions (2):

Department of Pathology and Laboratory Medicine, Sinai Health System
Classification: Uncertain significance for junctional epidermolysis bullosa. Last evaluated: 2022-11-30. Review status: criteria provided, single submitter. Criteria: ACMG Guidelines, 2015. Collection method: research. Allele origin: germline.

Labcorp Genetics (formerly Invitae), Labcorp
Classification: Uncertain significance. Last evaluated: 2022-09-07. Review status: criteria provided, single submitter. Criteria: Invitae Variant Classification Sherloc (09022015). Collection method: clinical testing. Allele origin: germline.
Comment: This sequence change falls in intron 10 of the LAMA3 gene. It does not directly change the encoded amino acid sequence of the LAMA3 protein. This variant is present in population databases (rs374957233, gnomAD 0.01%). This variant has not been reported in the literature in individuals affected with LAMA3-related conditions. Algorithms developed to predict the effect of sequence changes on RNA splicing suggest that this variant may disrupt the consensus splice site. In summary, the available evidence is currently insufficient to determine the role of this variant in disease. Therefore, it has been classified as a Variant of Uncertain Significance.

NM_198129.4(LAMA3):c.6005-10T>C

Gene: LAMA3 (laminin subunit alpha 3; plus strand). Cytogenetic location: 18q11.2.
Variant type: single nucleotide variant.
Coding change: c.6005-10T>C on transcript NM_198129.4 (MANE Select); 10 bases into the intron before coding-DNA position 6005, T replaced by C.
Molecular consequence: intron variant.
Genome position (GRCh38, 1-based): chr18:23,901,117, T>C. VCF-style: chr18-23901117-T-C. GRCh37 (hg19) VCF-style: chr18-21481081-T-C.
Other names: c.5837-10T>C (NM_001127717.4); c.1178-10T>C (NM_000227.6); c.1010-10T>C (NM_001127718.4).
Identifiers: ClinVar variation 2151100 (VCV002151100.2), dbSNP rs374957233, ClinGen allele CA8916247.